The following is an entry in ClinVar:

ClinVar aggregate classification (germline): Pathogenic/Likely pathogenic. Review status: criteria provided, multiple submitters, no conflicts (2 of 4 stars). 4 submissions from 4 submitters: Pathogenic (2); Likely pathogenic (1). 1 of the submissions does not count toward it. Last evaluated 2024-02-02.

Conditions:
NPHS1-related disorder. Also called: NPHS1-related condition.
Finnish congenital nephrotic syndrome (NPHS1). Also called: NEPHROTIC SYNDROME, TYPE 1. Identifiers: Orphanet 839, MedGen C0403399, MONDO:0009732, OMIM 256300.

Allele frequency attached by ClinVar (database versions not stated): gnomAD exomes below 0.00001; gnomAD 0.00001; TOPMed 0.00001; ESP Exome Variant Server 0.00008.

Submissions (4):

Baylor Genetics
Classification: Pathogenic for Finnish congenital nephrotic syndrome. Last evaluated: 2024-02-02. Review status: criteria provided, single submitter. Criteria: ACMG Guidelines, 2015. Collection method: clinical testing. Allele origin: unknown.

Labcorp Genetics (formerly Invitae), Labcorp
Classification: Pathogenic. Last evaluated: 2021-04-22. Review status: criteria provided, single submitter. Criteria: Invitae Variant Classification Sherloc (09022015). Collection method: clinical testing. Allele origin: germline.
Comment: For these reasons, this variant has been classified as Pathogenic. This variant has been observed in individual(s) with congenital nephrotic syndrome (PMID: 11317351). ClinVar contains an entry for this variant (Variation ID: 56520). This variant is not present in population databases (ExAC no frequency). This sequence change creates a premature translational stop signal (p.Ser231*) in the NPHS1 gene. It is expected to result in an absent or disrupted protein product. Loss-of-function variants in NPHS1 are known to be pathogenic (PMID: 11317351, 11854170, 12039988).

Blueprint Genetics
Classification: Likely pathogenic for NPHS1-related disorders. Last evaluated: 2019-03-26. Review status: criteria provided, single submitter. Criteria: ACMG Guidelines, 2015. Collection method: clinical testing. Allele origin: germline. Affected: yes. Observed: 1 variant allele.

Juha Muilu Group; Institute for Molecular Medicine Finland (FIMM)
Classification: Likely pathogenic for Finnish congenital nephrotic syndrome. Review status: no assertion criteria provided. Collection method: not provided. Allele origin: unknown. Not counted in ClinVar's aggregate classification.
Comment: FinDis database variant: FinDis database variant: This variant was not found or characterized by our laboratory, data were collected from public sources: see reference
ClinVar note: Converted during submission from probable-pathogenic to Likely pathogenic.

Literature cited by the submitters: PubMed 11317351 (cited by Labcorp Genetics (formerly Invitae), Labcorp); PubMed 11854170 (cited by Labcorp Genetics (formerly Invitae), Labcorp); PubMed 12039988 (cited by Labcorp Genetics (formerly Invitae), Labcorp).

NM_004646.4(NPHS1):c.692C>A (p.Ser231Ter)

Gene: NPHS1 (NPHS1 adhesion molecule, nephrin; minus strand). Cytogenetic location: 19q13.12.
Variant type: single nucleotide variant.
Coding change: c.692C>A on transcript NM_004646.4 (MANE Select); coding-DNA position 692, C replaced by A.
Protein change: p.Ser231Ter; replaces serine 231 with a stop codon.
Molecular consequence: nonsense.
Genome position (GRCh38, 1-based): chr19:35,849,570, G>T on the plus strand (C>A on the coding strand, the complement: NPHS1 is on the minus strand). VCF-style: chr19-35849570-G-T. GRCh37 (hg19) VCF-style: chr19-36340472-G-T.
Other names: short protein forms S231*.
Identifiers: ClinVar variation 56520 (VCV000056520.9), dbSNP rs386833958, ClinGen allele CA250267.